The following is an entry in ClinVar:

ClinVar aggregate classification (germline): Uncertain significance (1 of 4 stars; one submission).

Conditions:
Hereditary cancer-predisposing syndrome. Also called: Neoplastic Syndromes, Hereditary; Tumor predisposition; Hereditary Cancer Syndrome; Hereditary neoplastic syndrome. Identifiers: Orphanet 140162, MedGen C0027672, MeSH D009386, MONDO:0015356.

Submission:

Ambry Genetics
Classification: Uncertain significance for Hereditary cancer-predisposing syndrome. Last evaluated: 2025-12-15. Review status: criteria provided, single submitter. Criteria: Ambry Variant Classification Scheme 2023. Collection method: clinical testing. Allele origin: germline.
Comment: The p.K470N variant (also known as c.1410G>C), located in coding exon 12 of the SUFU gene, results from a G to C substitution at nucleotide position 1410. The lysine at codon 470 is replaced by asparagine, an amino acid with similar properties. This amino acid position is conserved. In addition, this alteration is predicted to be tolerated by in silico analysis. Based on the available evidence, the clinical significance of this variant remains unclear.

NM_016169.4(SUFU):c.1410G>C (p.Lys470Asn)

Gene: SUFU (SUFU negative regulator of hedgehog signaling; plus strand). Cytogenetic location: 10q24.32.
Variant type: single nucleotide variant.
Coding change: c.1410G>C on transcript NM_016169.4 (MANE Select); coding-DNA position 1410, G replaced by C.
Protein change: p.Lys470Asn; replaces lysine 470 with asparagine.
Molecular consequence: missense variant.
Genome position (GRCh38, 1-based): chr10:102,630,110, G>C. VCF-style: chr10-102630110-G-C. GRCh37 (hg19) VCF-style: chr10-104389867-G-C.
Other names: short protein forms K470N.
Identifiers: ClinVar variation 4843406 (VCV004843406.1).